The following is an entry in ClinVar:

ClinVar aggregate classification (germline): Uncertain significance (1 of 4 stars; one submission).

Conditions:
Acrocallosal syndrome (ACLS). Also called: HALLUX DUPLICATION, POSTAXIAL POLYDACTYLY, AND ABSENCE OF CORPUS CALLOSUM; Schinzel syndrome 1; Absence of corpus callosum with unusual facial appearance, mental deficiency, duplication of the halluces and polydactyly. Identifiers: Orphanet 36, MedGen C0796147, MONDO:0008708, OMIM 200990.

gnomAD v4.1: 25 of 1,607,200 alleles (0.0016%); highest among the groups gnomAD compares: Admixed American, 0.0033%; no homozygotes.

Submission:

Labcorp Genetics (formerly Invitae), Labcorp
Classification: Uncertain significance for Acrocallosal syndrome. Last evaluated: 2022-07-23. Review status: criteria provided, single submitter. Criteria: Invitae Variant Classification Sherloc (09022015). Collection method: clinical testing. Allele origin: germline.
Comment: In summary, the available evidence is currently insufficient to determine the role of this variant in disease. Therefore, it has been classified as a Variant of Uncertain Significance. Algorithms developed to predict the effect of missense changes on protein structure and function are either unavailable or do not agree on the potential impact of this missense change (SIFT: "Deleterious"; PolyPhen-2: "Probably Damaging"; Align-GVGD: "Class C0"). ClinVar contains an entry for this variant (Variation ID: 1354016). This variant has not been reported in the literature in individuals affected with KIF7-related conditions. This variant is present in population databases (rs138021610, gnomAD 0.006%). This sequence change replaces arginine, which is basic and polar, with histidine, which is basic and polar, at codon 718 of the KIF7 protein (p.Arg718His).

NM_198525.3(KIF7):c.2153G>A (p.Arg718His)

Gene: KIF7 (kinesin family member 7; minus strand). Cytogenetic location: 15q26.1.
Variant type: single nucleotide variant.
Coding change: c.2153G>A on transcript NM_198525.3 (MANE Select); coding-DNA position 2153, G replaced by A.
Protein change: p.Arg718His; replaces arginine 718 with histidine.
Molecular consequence: missense variant.
Genome position (GRCh38, 1-based): chr15:89,645,051, C>T on the plus strand (G>A on the coding strand, the complement: KIF7 is on the minus strand). VCF-style: chr15-89645051-C-T. GRCh37 (hg19) VCF-style: chr15-90188282-C-T.
Other names: short protein forms R718H.
Identifiers: ClinVar variation 1354016 (VCV001354016.6), dbSNP rs138021610, ClinGen allele CA7728312.